The following is an entry in ClinVar:

NM_198390.3(CMIP):c.2091+4C>T

Gene: CMIP (c-Maf inducing protein; plus strand). Cytogenetic location: 16q23.3.
Variant type: single nucleotide variant.
Coding change: c.2091+4C>T on transcript NM_198390.3 (MANE Select); 4 bases into the intron after coding-DNA position 2091, C replaced by T.
Molecular consequence: intron variant.
Genome position (GRCh38, 1-based): chr16:81,704,089, C>T. VCF-style: chr16-81704089-C-T. GRCh37 (hg19) VCF-style: chr16-81737694-C-T.
Other names: c.1809+4C>T (NM_030629.3).
Identifiers: ClinVar variation 3053300 (VCV003053300.2), dbSNP rs560316334, ClinGen allele CA8192830.

ClinVar aggregate classification (germline): Likely benign (0 of 4 stars; one submission).

Conditions:
CMIP-related disorder. Also called: CMIP-related condition.

Allele frequency attached by ClinVar (database versions not stated): ExAC 0.00001; gnomAD 0.00003; TOPMed 0.00003; 1000 Genomes Project 30x 0.00016; 1000 Genomes Project 0.00020.
gnomAD v4.1: 53 of 1,601,986 alleles (0.0033%); highest among the groups gnomAD compares: Middle Eastern, 0.017%; no homozygotes.

Submission:

PreventionGenetics, part of Exact Sciences
Classification: Likely benign for CMIP-related condition. Last evaluated: 2019-09-05. Review status: no assertion criteria provided. Collection method: clinical testing. Allele origin: germline.
Comment: This variant is classified as likely benign based on ACMG/AMP sequence variant interpretation guidelines (Richards et al. 2015 PMID: 25741868, with internal and published modifications).